The following is an entry in ClinVar:

NM_001558.4(IL10RA):c.1539G>A (p.Thr513=)

Gene: IL10RA (interleukin 10 receptor subunit alpha; plus strand). Cytogenetic location: 11q23.3.
Variant type: single nucleotide variant.
Coding change: c.1539G>A on transcript NM_001558.4 (MANE Select); coding-DNA position 1539, G replaced by A.
Protein change: p.Thr513=; no amino-acid change (threonine 513 retained).
Molecular consequence: synonymous variant. On other transcripts: non-coding transcript variant (1).
Genome position (GRCh38, 1-based): chr11:117,999,443, G>A. VCF-style: chr11-117999443-G-A. GRCh37 (hg19) VCF-style: chr11-117870158-G-A.
Identifiers: ClinVar variation 538056 (VCV000538056.18), dbSNP rs372503247, ClinGen allele CA6299205.

ClinVar aggregate classification (germline): Conflicting classifications of pathogenicity. Review status: criteria provided, conflicting classifications (1 of 4 stars). 5 submissions from 5 submitters: Uncertain significance (1); Likely benign (4). Last evaluated 2026-09-01.

Conditions:
Inborn genetic diseases. Identifiers: MedGen C0950123, MeSH D030342.
Inflammatory bowel disease 28. Also called: Inflammatory bowel disease 28, early onset, autosomal recessive. Identifiers: Orphanet 238569, MedGen C2751053, MONDO:0013153, OMIM 613148.

Allele frequency attached by ClinVar (database versions not stated): gnomAD 0.00004 and 0.00005; TOPMed 0.00008; gnomAD exomes 0.00009; ExAC 0.00010; ESP Exome Variant Server 0.00015.
gnomAD v4.1: 159 of 1,614,078 alleles (0.0099%); highest among the groups gnomAD compares: Non-Finnish European, 0.012%; 1 homozygote.

Submissions (5):

CeGaT Center for Human Genetics Tuebingen
Classification: Likely benign. Last evaluated: 2026-09-01. Review status: criteria provided, single submitter. Criteria: CeGaT Center For Human Genetics Tuebingen Variant Classification Criteria Version 2. Collection method: clinical testing. Allele origin: germline. Affected: yes. Observed: 1 variant allele.
Comment: IL10RA: BP4, BP7

Labcorp Genetics (formerly Invitae), Labcorp
Classification: Likely benign for Inflammatory bowel disease 28. Last evaluated: 2026-02-01. Review status: criteria provided, single submitter. Criteria: Invitae Variant Classification Sherloc (09022015). Collection method: clinical testing. Allele origin: germline.

Ambry Genetics
Classification: Likely benign for Inborn genetic diseases. Last evaluated: 2024-07-30. Review status: criteria provided, single submitter. Criteria: Ambry Variant Classification Scheme 2023. Collection method: clinical testing. Allele origin: germline.

Blueprint Genetics
Classification: Likely benign. Last evaluated: 2024-05-08. Review status: criteria provided, single submitter. Criteria: ACMG Guidelines, 2015. Collection method: clinical testing. Allele origin: germline.

Illumina Laboratory Services, Illumina
Classification: Uncertain significance for Inflammatory bowel disease 28. Last evaluated: 2018-01-13. Review status: criteria provided, single submitter. Criteria: ICSL Variant Classification Criteria 13 December 2019. Collection method: clinical testing. Allele origin: germline.